The following is an entry in ClinVar:

ClinVar aggregate classification (germline): Likely benign (0 of 4 stars; one submission).

Conditions:
ALYREF-related disorder. Also called: ALYREF-related condition.

gnomAD v4.1: 16 of 1,435,270 alleles (0.0011%); highest among the groups gnomAD compares: Admixed American, 0.037%; no homozygotes.

Submission:

PreventionGenetics, part of Exact Sciences
Classification: Likely benign for ALYREF-related condition. Last evaluated: 2024-03-11. Review status: no assertion criteria provided. Collection method: clinical testing. Allele origin: germline.
Comment: This variant is classified as likely benign based on ACMG/AMP sequence variant interpretation guidelines (Richards et al. 2015 PMID: 25741868, with internal and published modifications).

NM_005782.4(ALYREF):c.46C>T (p.Leu16=)

Genes: ALYREF (Aly/REF export factor; minus strand), ANAPC11 (anaphase promoting complex subunit 11; plus strand). Cytogenetic location: 17q25.3.
Variant type: single nucleotide variant.
Coding change: c.46C>T on transcript NM_005782.4 (MANE Select); coding-DNA position 46, C replaced by T.
Protein change: p.Leu16=; no amino-acid change (leucine 16 retained).
Molecular consequence: synonymous variant. On other transcripts: non-coding transcript variant (1), intron variant (1).
Genome position (GRCh38, 1-based): chr17:81,891,535, G>A on the plus strand (C>T on the coding strand, the complement: ALYREF is on the minus strand). VCF-style: chr17-81891535-G-A. GRCh37 (hg19) VCF-style: chr17-79849411-G-A.
Other names: c.-75+684G>A (NM_001289414.1).
Identifiers: ClinVar variation 3350262 (VCV003350262.1).